The following is an entry in ClinVar:

NM_006891.4(CRYGD):c.344G>A (p.Arg115His)

Genes: CRYGD (crystallin gamma D; minus strand), LOC100507443 (uncharacterized LOC100507443; plus strand). Cytogenetic location: 2q33.3.
Variant type: single nucleotide variant.
Coding change: c.344G>A on transcript NM_006891.4 (MANE Select); coding-DNA position 344, G replaced by A.
Protein change: p.Arg115His; replaces arginine 115 with histidine.
Molecular consequence: missense variant.
Genome position (GRCh38, 1-based): chr2:208,121,854, C>T on the plus strand (G>A on the coding strand, the complement: CRYGD is on the minus strand). VCF-style: chr2-208121854-C-T. GRCh37 (hg19) VCF-style: chr2-208986578-C-T.
Other names: c.344G>A (NM_006891.3); short protein forms R115H.
Identifiers: ClinVar variation 1047454 (VCV001047454.9), dbSNP rs774950923, ClinGen allele CA2077653.
Genomic context (GRCh38, chr2:208,121,854, plus strand): 5'-TCGTAGAGGACCCAGGAGCCCTCCAGCACGTTGAGGGAGTGGATTTCATTGAAGCGGAAG[C>T]GGTCCTGAAGACAGGAGCAGTCCTCAGTGAACTCTATCATCTGGCCTCTGTAGTCCTCTC-3'
Protein context (NP_008822.2, residues 105-125): FTEDCSCLQD[Arg115His]FRFNEIHSLN

ClinVar aggregate classification (germline): Uncertain significance. Review status: criteria provided, multiple submitters, no conflicts (2 of 4 stars). 2 submissions from 2 submitters: Uncertain significance (2). Last evaluated 2025-07-02.

Conditions:
Aculeiform cataract (CTRCT4). Also called: Fasciculiform cataract; Frosted cataract; Needle-shaped cataract. Identifiers: MedGen C1861832, HP:0010926.
Inborn genetic diseases. Identifiers: MedGen C0950123, MeSH D030342.

Allele frequency attached by ClinVar (database versions not stated): gnomAD exomes 0.00001; ExAC 0.00002; TOPMed 0.00002; gnomAD 0.00003.
gnomAD v4.1: 41 of 1,614,042 alleles (0.0025%); highest among the groups gnomAD compares: African/African-American, 0.008%; no homozygotes.

Submissions (2):

Ambry Genetics
Classification: Uncertain significance for Inborn genetic diseases. Last evaluated: 2025-07-02. Review status: criteria provided, single submitter. Criteria: Ambry Variant Classification Scheme 2023. Collection method: clinical testing. Allele origin: germline.

Labcorp Genetics (formerly Invitae), Labcorp
Classification: Uncertain significance for Aculeiform cataract. Last evaluated: 2020-05-06. Review status: criteria provided, single submitter. Criteria: Invitae Variant Classification Sherloc (09022015). Collection method: clinical testing. Allele origin: germline.
Comment: In summary, the available evidence is currently insufficient to determine the role of this variant in disease. Therefore, it has been classified as a Variant of Uncertain Significance. Algorithms developed to predict the effect of missense changes on protein structure and function output the following: SIFT: "Deleterious"; PolyPhen-2: "Benign"; Align-GVGD: "Class C25". The histidine amino acid residue is found in multiple mammalian species, suggesting that this missense change does not adversely affect protein function. These predictions have not been confirmed by published functional studies and their clinical significance is uncertain. This variant has not been reported in the literature in individuals with CRYGD-related conditions. This variant is present in population databases (rs774950923, ExAC 0.01%). This sequence change replaces arginine with histidine at codon 115 of the CRYGD protein (p.Arg115His). The arginine residue is highly conserved and there is a small physicochemical difference between arginine and histidine.